The following is an entry in ClinVar:

NC_012920.1(MT-ND5):m.13645T>A

Gene: MT-ND5 (mitochondrially encoded NADH dehydrogenase 5; plus strand).
Variant type: single nucleotide variant.
Genome position: chrM-13645-T-A.
Identifiers: ClinVar variation 693583 (VCV000693583.1), dbSNP rs1603224281, ClinGen allele CA414818884.

ClinVar aggregate classification (germline): Uncertain significance (1 of 4 stars; one submission).

Conditions:
Leigh syndrome (NULS). Also called: Leigh's necrotizing encephalopathy; Leigh's disease; Leigh's syndrome; LEIGH SYNDROME, NUCLEAR; Leigh Syndrome (mtDNA deletion); Leigh Disease. Identifiers: Orphanet 506, MedGen C2931891, MONDO:0009723, OMIM 256000.

Submission:

Wong Mito Lab, Molecular and Human Genetics, Baylor College of Medicine
Classification: Uncertain significance for Leigh syndrome. Last evaluated: 2019-10-17. Review status: criteria provided, single submitter. Criteria: Modified ACMG Guidelines (Unpublished). Collection method: clinical testing. Allele origin: germline.
Comment: The NC_012920.1:m.13645T>A (YP_003024036.1:p.Phe437Ile) variant in MTND5 gene is interpretated to be a Uncertain Significance variant based on the modified ACMG guidelines (unpublished). This variant meets the following evidence codes: PP6, PP7